The following is an entry in ClinVar:

NM_001276270.2(MBD4):c.207C>A (p.Ile69=)

Gene: MBD4 (methyl-CpG binding domain 4, DNA glycosylase; minus strand). Cytogenetic location: 3q21.3.
Variant type: single nucleotide variant.
Coding change: c.207C>A on transcript NM_001276270.2 (MANE Select); coding-DNA position 207, C replaced by A.
Protein change: p.Ile69=; no amino-acid change (isoleucine 69 retained).
Molecular consequence: synonymous variant.
Genome position (GRCh38, 1-based): chr3:129,437,848, G>T on the plus strand (C>A on the coding strand, the complement: MBD4 is on the minus strand). VCF-style: chr3-129437848-G-T. GRCh37 (hg19) VCF-style: chr3-129156691-G-T.
Other names: c.207C>A, p.Ile69= (NM_001276271.2, NM_001276272.2, NM_001276273.2 and 1 more transcripts).
Identifiers: ClinVar variation 3698839 (VCV003698839.4).

ClinVar aggregate classification (germline): Benign/Likely benign. Review status: criteria provided, multiple submitters, no conflicts (2 of 4 stars). 3 submissions from 3 submitters: Benign (1); Likely benign (2). Last evaluated 2026-06-09.

Conditions:
Tumor predisposition syndrome 2 (TPDS2). Also called: MBD4-Related Tumor Predisposition Syndrome; MBD4-associated neoplasia syndrome (MANS); MBD4-ASSOCIATED NEOPLASIA SYNDROME. Identifiers: Orphanet 661526, MedGen C5774186, MONDO:0859267, OMIM 619975.
Inborn genetic diseases. Identifiers: MedGen C0950123, MeSH D030342.

Submissions (3):

Myriad Genetics, Inc.
Classification: Benign for Tumor predisposition syndrome 2. Last evaluated: 2026-06-09. Review status: criteria provided, single submitter. Criteria: Myriad Autosomal Dominant, Autosomal Recessive and X-Linked Classification Criteria (2023). Collection method: clinical testing. Allele origin: unknown.
Comment: This variant is considered benign. This variant is a silent/synonymous amino acid change and it is not expected to impact splicing.

Ambry Genetics
Classification: Likely benign for Inborn genetic diseases. Last evaluated: 2025-03-12. Review status: criteria provided, single submitter. Criteria: Ambry Variant Classification Scheme 2023. Collection method: clinical testing. Allele origin: germline.

Labcorp Genetics (formerly Invitae), Labcorp
Classification: Likely benign. Last evaluated: 2024-02-13. Review status: criteria provided, single submitter. Criteria: Invitae Variant Classification Sherloc (09022015). Collection method: clinical testing. Allele origin: germline.